The following is an entry in ClinVar:

NM_030662.4(MAP2K2):c.403G>A (p.Gly135Arg)

Gene: MAP2K2 (mitogen-activated protein kinase kinase 2; minus strand). Cytogenetic location: 19p13.3.
Variant type: single nucleotide variant.
Coding change: c.403G>A on transcript NM_030662.4 (MANE Select); coding-DNA position 403, G replaced by A.
Protein change: p.Gly135Arg; replaces glycine 135 with arginine.
Molecular consequence: missense variant.
Genome position (GRCh38, 1-based): chr19:4,110,556, C>T on the plus strand (G>A on the coding strand, the complement: MAP2K2 is on the minus strand). VCF-style: chr19-4110556-C-T. GRCh37 (hg19) VCF-style: chr19-4110554-C-T.
Other names: short protein forms G135R.
Identifiers: ClinVar variation 2190492 (VCV002190492.5), dbSNP rs575285559, ClinGen allele CA9091006.

ClinVar aggregate classification (germline): Uncertain significance. Review status: criteria provided, multiple submitters, no conflicts (2 of 4 stars). 2 submissions from 2 submitters: Uncertain significance (2). Last evaluated 2025-10-01.

Conditions:
RASopathy. Also called: rasopathies; Noonan spectrum disorder. Identifiers: Orphanet 536391, MedGen C5555857, MONDO:0021060.

Allele frequency attached by ClinVar (database versions not stated): gnomAD 0.00001; TOPMed 0.00001; ExAC 0.00002; 1000 Genomes Project 30x 0.00016; 1000 Genomes Project 0.00020.
gnomAD v4.1: 18 of 1,613,996 alleles (0.0011%); highest among the groups gnomAD compares: South Asian, 0.0055%; no homozygotes.

Submissions (2):

Labcorp Genetics (formerly Invitae), Labcorp
Classification: Uncertain significance for RASopathy. Last evaluated: 2025-10-01. Review status: criteria provided, single submitter. Criteria: Invitae Variant Classification Sherloc (09022015). Collection method: clinical testing. Allele origin: germline.
Comment: This sequence change replaces glycine, which is neutral and non-polar, with arginine, which is basic and polar, at codon 135 of the MAP2K2 protein (p.Gly135Arg). This variant is present in population databases (rs575285559, gnomAD 0.007%). This variant has not been reported in the literature in individuals affected with MAP2K2-related conditions. ClinVar contains an entry for this variant (Variation ID: 2190492). Invitae Evidence Modeling of protein sequence and biophysical properties (such as structural, functional, and spatial information, amino acid conservation, physicochemical variation, residue mobility, and thermodynamic stability) indicates that this missense variant is expected to disrupt MAP2K2 protein function with a positive predictive value of 95%. In summary, the available evidence is currently insufficient to determine the role of this variant in disease. Therefore, it has been classified as a Variant of Uncertain Significance.

GeneDx
Classification: Uncertain significance. Last evaluated: 2023-03-22. Review status: criteria provided, single submitter. Criteria: GeneDx Variant Classification Process June 2021. Collection method: clinical testing. Allele origin: germline. Affected: yes.
Comment: Missense variants in this gene are often considered pathogenic (HGMD); In silico analysis supports that this missense variant has a deleterious effect on protein structure/function; Has not been previously published as pathogenic or benign to our knowledge; This variant is associated with the following publications: (PMID: 19156172, 22177953, 22753777, 25370473, 26399658, 29493581)